The following is an entry in ClinVar:

ClinVar aggregate classification (germline): Uncertain significance. Review status: criteria provided, single submitter (1 of 4 stars). 2 submissions from 2 submitters: Uncertain significance (1). 1 of the submissions does not count toward it. Last evaluated 2020-08-03.

Conditions:
Hypoplastic enamel-onycholysis-hypohidrosis syndrome (TNS). Also called: Tooth-and-Nail Syndrome; NAIL DYSPLASIA WITH HYPODONTIA; WITKOP SYNDROME; ECTODERMAL DYSPLASIA 3, WITKOP TYPE; ECTODERMAL DYSPLASIA 3, TOOTH/NAIL TYPE. Identifiers: Orphanet 2228, MedGen C0406735, MONDO:0008582, OMIM 189500.
MSX1-related disorder. Also called: MSX1-related condition.

Allele frequency attached by ClinVar (database versions not stated): gnomAD 0.00001; ExAC 0.00002; gnomAD exomes 0.00002.
gnomAD v4.1: 12 of 1,613,720 alleles (0.00074%); highest among the groups gnomAD compares: East Asian, 0.0022%; no homozygotes.

Submissions (2):

Labcorp Genetics (formerly Invitae), Labcorp
Classification: Uncertain significance for Hypoplastic enamel-onycholysis-hypohidrosis syndrome. Last evaluated: 2020-08-03. Review status: criteria provided, single submitter. Criteria: Invitae Variant Classification Sherloc (09022015). Collection method: clinical testing. Allele origin: germline.
Comment: Algorithms developed to predict the effect of missense changes on protein structure and function (SIFT, PolyPhen-2, Align-GVGD) all suggest that this variant is likely to be disruptive, but these predictions have not been confirmed by published functional studies and their clinical significance is uncertain. This variant has not been reported in the literature in individuals with MSX1-related conditions. This variant is present in population databases (rs104893853, ExAC 0.003%). This sequence change replaces serine with tryptophan at codon 208 of the MSX1 protein (p.Ser208Trp). The serine residue is highly conserved and there is a large physicochemical difference between serine and tryptophan. In summary, the available evidence is currently insufficient to determine the role of this variant in disease. Therefore, it has been classified as a Variant of Uncertain Significance.

PreventionGenetics, part of Exact Sciences
Classification: Uncertain significance for MSX1-related condition. Last evaluated: 2023-11-27. Review status: no assertion criteria provided. Collection method: clinical testing. Allele origin: germline. Not counted in ClinVar's aggregate classification.
Comment: The MSX1 c.623C>G variant is predicted to result in the amino acid substitution p.Ser208Trp. To our knowledge, this variant has not been reported in the literature. This variant is reported in 0.0050% of alleles in individuals of East Asian descent in gnomAD. At this time, the clinical significance of this variant is uncertain due to the absence of conclusive functional and genetic evidence.

NM_002448.3(MSX1):c.623C>G (p.Ser208Trp)

Gene: MSX1 (msh homeobox 1; plus strand). Cytogenetic location: 4p16.2.
Variant type: single nucleotide variant.
Coding change: c.623C>G on transcript NM_002448.3 (MANE Select); coding-DNA position 623, C replaced by G.
Protein change: p.Ser208Trp; replaces serine 208 with tryptophan.
Molecular consequence: missense variant.
Genome position (GRCh38, 1-based): chr4:4,862,854, C>G. VCF-style: chr4-4862854-C-G. GRCh37 (hg19) VCF-style: chr4-4864581-C-G.
Other names: short protein forms S208W.
Identifiers: ClinVar variation 1022700 (VCV001022700.10), dbSNP rs104893853, ClinGen allele CA2833087.